The following is an entry in ClinVar:

ClinVar aggregate classification (germline): Uncertain significance (1 of 4 stars; one submission).

Conditions:
GABRA1-related disorder. Also called: GABRA1-related condition.

Submission:

PreventionGenetics, part of Exact Sciences
Classification: Uncertain significance for GABRA1-related condition. Last evaluated: 2025-06-13. Review status: criteria provided, single submitter. Criteria: ACMG Guidelines, 2015. Collection method: clinical testing. Allele origin: germline.
Comment: The GABRA1 c.608C>A variant is predicted to result in the amino acid substitution p.Ala203Glu. To our knowledge, this variant has not been reported in the literature or in a large population database (gnomAD), indicating this variant is rare. At this time, the clinical significance of this variant is uncertain due to the absence of conclusive functional and genetic evidence.

NM_001127644.2(GABRA1):c.608C>A (p.Ala203Glu)

Gene: GABRA1 (gamma-aminobutyric acid type A receptor subunit alpha1; plus strand). Cytogenetic location: 5q34.
Variant type: single nucleotide variant.
Coding change: c.608C>A on transcript NM_001127644.2 (MANE Select); coding-DNA position 608, C replaced by A.
Protein change: p.Ala203Glu; replaces alanine 203 with glutamic acid.
Molecular consequence: missense variant.
Genome position (GRCh38, 1-based): chr5:161,882,606, C>A. VCF-style: chr5-161882606-C-A. GRCh37 (hg19) VCF-style: chr5-161309612-C-A.
Other names: c.608C>A, p.Ala203Glu (NM_000806.5, NM_001127643.2, NM_001127645.2 and 1 more transcripts); short protein forms A203E.
Identifiers: ClinVar variation 3029442 (VCV003029442.3), dbSNP rs2532261788, ClinGen allele CA362179497.
Genomic context (GRCh38, chr5:161,882,606, plus strand): 5'-GTTTCCTTTTAGATGCTTATACAAGAGCAGAAGTTGTTTATGAATGGACCAGAGAGCCAG[C>A]ACGCTCAGTGGTTGTAGCAGAAGATGGATCACGTCTAAACCAGTATGACCTTCTTGGACA-3'
Protein context (NP_001121116.1, residues 193-213): EVVYEWTREP[Ala203Glu]RSVVVAEDGS